The following is an entry in ClinVar:

ClinVar aggregate classification (germline): Uncertain significance (1 of 4 stars; one submission).

Submission:

GeneDx
Classification: Uncertain significance. Last evaluated: 2017-08-14. Review status: criteria provided, single submitter. Criteria: GeneDx Variant Classification (06012015). Collection method: clinical testing. Allele origin: germline. Affected: yes.
Comment: The D516E variant has not been published as a pathogenic variant, nor has it been reported as a benign variant to our knowledge. The D516E variant is not observed in large population cohorts (Lek et al., 2016; 1000 Genomes Consortium et al., 2015; Exome Variant Server). The D516E variant is a conservative amino acid substitution, which is not likely to impact secondary protein structure as these residues share similar properties. This substitution occurs at a position that is not conserved and is predicted to be in the cytoplasmic loop between the first and second homologous domains. In silico analysis is inconsistent in its predictions as to whether or not the variant is damaging to the protein structure/function.Therefore, based on the currently available information, it is unclear whether this variant is a pathogenic variant or a rare benign variant.

NM_001165963.4(SCN1A):c.1548T>G (p.Asp516Glu)

Gene: SCN1A (sodium voltage-gated channel alpha subunit 1; minus strand). Cytogenetic location: 2q24.3.
Variant type: single nucleotide variant.
Coding change: c.1548T>G on transcript NM_001165963.4 (MANE Select); coding-DNA position 1548, T replaced by G.
Protein change: p.Asp516Glu; replaces aspartic acid 516 with glutamic acid.
Molecular consequence: missense variant. On other transcripts: 5 prime UTR variant (1), non-coding transcript variant (1).
Genome position (GRCh38, 1-based): chr2:166,045,157, A>C on the plus strand (T>G on the coding strand, the complement: SCN1A is on the minus strand). VCF-style: chr2-166045157-A-C. GRCh37 (hg19) VCF-style: chr2-166901667-A-C.
Other names: c.1548T>G, p.Asp516Glu (NM_001165964.3, NM_001202435.3, NM_001353948.2 and 7 more transcripts); c.1545T>G, p.Asp515Glu (NM_001353954.2, NM_001353955.2, NM_001353960.2); c.-878T>G (NM_001353961.2); short protein forms D516E, D515E.
Identifiers: ClinVar variation 449679 (VCV000449679.2), dbSNP rs1057524611, ClinGen allele CA349069396.